The following is an entry in ClinVar:

NM_002972.4(SBF1):c.2128-16T>G

Gene: SBF1 (SET binding factor 1; minus strand). Cytogenetic location: 22q13.33.
Variant type: single nucleotide variant.
Coding change: c.2128-16T>G on transcript NM_002972.4 (MANE Select); 16 bases into the intron before coding-DNA position 2128, T replaced by G.
Molecular consequence: intron variant.
Genome position (GRCh38, 1-based): chr22:50,462,489, A>C on the plus strand (T>G on the coding strand, the complement: SBF1 is on the minus strand). VCF-style: chr22-50462489-A-C. GRCh37 (hg19) VCF-style: chr22-50900918-A-C.
Other names: c.2128-16T>G (NM_001410795.1); c.2131-16T>G (NM_001365819.1, NM_001410794.1).
Identifiers: ClinVar variation 4798746 (VCV004798746.1).
Genomic context (GRCh38, chr22:50,462,489, plus strand): 5'-TAGGGCAGAGCGCTCGTCCTCCTGGGAAGGTGCCTCCCCAACCTCCTGCCACGGCACCAC[A>C]CGCATGAGCCGGGGCCACGCTGCCCCAGCCCCTAGCCCCCAGCCCCCAGCCCAGGGAGTC-3'

ClinVar aggregate classification (germline): Uncertain significance (1 of 4 stars; one submission).

gnomAD v4.1: 1 of 1,612,594 alleles (0.000062%); highest among the groups gnomAD compares: Non-Finnish European, 0.000085%; no homozygotes.

Submission:

Labcorp Genetics (formerly Invitae), Labcorp
Classification: Uncertain significance. Last evaluated: 2025-02-04. Review status: criteria provided, single submitter. Criteria: Invitae Variant Classification Sherloc (09022015). Collection method: clinical testing. Allele origin: germline.
Comment: This sequence change falls in intron 18 of the SBF1 gene. It does not directly change the encoded amino acid sequence of the SBF1 protein. This variant is not present in population databases (gnomAD no frequency). This variant has not been reported in the literature in individuals affected with SBF1-related conditions. Algorithms developed to predict the effect of sequence changes on RNA splicing suggest that this variant may disrupt the consensus splice site. In summary, the available evidence is currently insufficient to determine the role of this variant in disease. Therefore, it has been classified as a Variant of Uncertain Significance.